The following is an entry in ClinVar:

ClinVar aggregate classification (germline): Conflicting classifications of pathogenicity. Review status: criteria provided, conflicting classifications (1 of 4 stars). 5 submissions from 5 submitters: Uncertain significance (1); Likely benign (4). Last evaluated 2025-12-16.

Conditions:
TTN-related disorder. Also called: TTN-related condition; TTN-related disease; TTN-related disorders.
Cardiovascular phenotype. Identifiers: MedGen CN230736.
Dilated cardiomyopathy 1G (CMD1G). Identifiers: Orphanet 154, MedGen C1858763, MONDO:0011400, OMIM 604145.
Autosomal recessive limb-girdle muscular dystrophy type 2J (LGMDR10). Also called: Limb-girdle muscular dystrophy, type 2J; MUSCULAR DYSTROPHY, LIMB-GIRDLE, AUTOSOMAL RECESSIVE 10. Identifiers: Orphanet 140922, MedGen C1837342, MONDO:0012127, OMIM 608807.

Allele frequency attached by ClinVar (database versions not stated): gnomAD exomes 0.00004 and 0.00024; ExAC 0.00005; TOPMed 0.00007; gnomAD 0.00009 and 0.00010; ESP Exome Variant Server 0.00017.
gnomAD v4.1: 361 of 1,613,784 alleles (0.022%); highest among the groups gnomAD compares: Non-Finnish European, 0.03%; no homozygotes.

Submissions (5):

Labcorp Genetics (formerly Invitae), Labcorp
Classification: Likely benign for Dilated cardiomyopathy 1G; Autosomal recessive limb-girdle muscular dystrophy type 2J. Last evaluated: 2025-12-16. Review status: criteria provided, single submitter. Criteria: Invitae Variant Classification Sherloc (09022015). Collection method: clinical testing. Allele origin: germline.

PreventionGenetics, part of Exact Sciences
Classification: Likely benign for TTN-related condition. Last evaluated: 2025-05-14. Review status: criteria provided, single submitter. Criteria: ACMG Guidelines, 2015. Collection method: clinical testing. Allele origin: germline.
Comment: This variant is classified as likely benign based on ACMG/AMP sequence variant interpretation guidelines (Richards et al. 2015 PMID: 25741868, with internal and published modifications).

GeneDx
Classification: Likely benign. Last evaluated: 2020-12-31. Review status: criteria provided, single submitter. Criteria: GeneDx Variant Classification Process June 2021. Collection method: clinical testing. Allele origin: germline. Affected: yes.

Ambry Genetics
Classification: Likely benign for Cardiovascular phenotype. Last evaluated: 2019-07-09. Review status: criteria provided, single submitter. Criteria: Ambry Variant Classification Scheme 2023. Collection method: clinical testing. Allele origin: germline.

Eurofins Ntd Llc (ga)
Classification: Uncertain significance. Last evaluated: 2016-11-09. Review status: criteria provided, single submitter. Criteria: EGL Classification Definitions 2015. Collection method: clinical testing. Allele origin: germline. Observed: 1 variant allele, 1 heterozygote.

NM_001267550.2(TTN):c.13479T>G (p.Pro4493=)

Gene: TTN (titin; minus strand). Cytogenetic location: 2q31.2.
Variant type: single nucleotide variant.
Coding change: c.13479T>G on transcript NM_001267550.2 (MANE Select); coding-DNA position 13479, T replaced by G.
Protein change: p.Pro4493=; no amino-acid change (proline 4493 retained).
Molecular consequence: synonymous variant. On other transcripts: intron variant (1).
Genome position (GRCh38, 1-based): chr2:178,739,754, A>C on the plus strand (T>G on the coding strand, the complement: TTN is on the minus strand). VCF-style: chr2-178739754-A-C. GRCh37 (hg19) VCF-style: chr2-179604481-A-C.
Other names: c.12528T>G, p.Pro4176= (NM_001256850.1); c.12390T>G, p.Pro4130= (NM_003319.4); c.12765T>G, p.Pro4255= (NM_133432.3); c.12966T>G, p.Pro4322= (NM_133437.4); c.10361-1394T>G (NM_133378.4).
Identifiers: ClinVar variation 498198 (VCV000498198.20), dbSNP rs368698752, ClinGen allele CA2002576.